The following is an entry in ClinVar:

ClinVar aggregate classification (germline): Uncertain significance (1 of 4 stars; one submission).

Conditions:
Charcot-Marie-Tooth disease type 2. Also called: Charcot-Marie-Tooth type 2. Identifiers: Orphanet 64746, MedGen C0270914, MONDO:0018993.

Submission:

Labcorp Genetics (formerly Invitae), Labcorp
Classification: Uncertain significance for Charcot-Marie-Tooth disease type 2. Last evaluated: 2021-03-16. Review status: criteria provided, single submitter. Criteria: Invitae Variant Classification Sherloc (09022015). Collection method: clinical testing. Allele origin: germline.
Comment: In summary, the available evidence is currently insufficient to determine the role of this variant in disease. Therefore, it has been classified as a Variant of Uncertain Significance. This sequence change replaces aspartic acid with valine at codon 369 of the AARS protein (p.Asp369Val). The aspartic acid residue is moderately conserved and there is a large physicochemical difference between aspartic acid and valine. This variant is not present in population databases (ExAC no frequency). This variant has not been reported in the literature in individuals with AARS-related conditions. Algorithms developed to predict the effect of missense changes on protein structure and function (SIFT, PolyPhen-2, Align-GVGD) all suggest that this variant is likely to be tolerated, but these predictions have not been confirmed by published functional studies and their clinical significance is uncertain.

NM_001605.3(AARS1):c.1106A>T (p.Asp369Val)

Gene: AARS1 (alanyl-tRNA synthetase 1; minus strand). Cytogenetic location: 16q22.1.
Variant type: single nucleotide variant.
Coding change: c.1106A>T on transcript NM_001605.3 (MANE Select); coding-DNA position 1106, A replaced by T.
Protein change: p.Asp369Val; replaces aspartic acid 369 with valine.
Molecular consequence: missense variant.
Genome position (GRCh38, 1-based): chr16:70,267,775, T>A on the plus strand (A>T on the coding strand, the complement: AARS1 is on the minus strand). VCF-style: chr16-70267775-T-A. GRCh37 (hg19) VCF-style: chr16-70301678-T-A.
Other names: short protein forms D369V.
Identifiers: ClinVar variation 1682253 (VCV001682253.8), dbSNP rs2152160238, ClinGen allele CA396563880.